The following is an entry in ClinVar:

NM_144701.3(IL23R):c.338T>C (p.Leu113Pro)

Gene: IL23R (interleukin 23 receptor; plus strand). Cytogenetic location: 1p31.3.
Variant type: single nucleotide variant.
Coding change: c.338T>C on transcript NM_144701.3 (MANE Select); coding-DNA position 338, T replaced by C.
Protein change: p.Leu113Pro; replaces leucine 113 with proline.
Molecular consequence: missense variant.
Genome position (GRCh38, 1-based): chr1:67,169,609, T>C. VCF-style: chr1-67169609-T-C. GRCh37 (hg19) VCF-style: chr1-67635292-T-C.
Other names: short protein forms L113P.
Identifiers: ClinVar variation 1368111 (VCV001368111.8), dbSNP rs2102556377, ClinGen allele CA340732700.

ClinVar aggregate classification (germline): Uncertain significance (1 of 4 stars; one submission).

Submission:

Labcorp Genetics (formerly Invitae), Labcorp
Classification: Uncertain significance. Last evaluated: 2022-11-22. Review status: criteria provided, single submitter. Criteria: Invitae Variant Classification Sherloc (09022015). Collection method: clinical testing. Allele origin: germline.
Comment: ClinVar contains an entry for this variant (Variation ID: 1368111). In summary, the available evidence is currently insufficient to determine the role of this variant in disease. Therefore, it has been classified as a Variant of Uncertain Significance. Algorithms developed to predict the effect of missense changes on protein structure and function are either unavailable or do not agree on the potential impact of this missense change (SIFT: "Deleterious"; PolyPhen-2: "Probably Damaging"; Align-GVGD: "Class C0"). This variant has not been reported in the literature in individuals affected with IL23R-related conditions. This variant is not present in population databases (gnomAD no frequency). This sequence change replaces leucine, which is neutral and non-polar, with proline, which is neutral and non-polar, at codon 113 of the IL23R protein (p.Leu113Pro).